The following is an entry in ClinVar:

ClinVar aggregate classification (germline): Likely benign (1 of 4 stars; one submission).

gnomAD v4.1: 310 of 1,600,884 alleles (0.019%); highest among the groups gnomAD compares: African/African-American, 0.34%; no homozygotes.

Submission:

CeGaT Center for Human Genetics Tuebingen
Classification: Likely benign. Last evaluated: 2025-12-01. Review status: criteria provided, single submitter. Criteria: CeGaT Center For Human Genetics Tuebingen Variant Classification Criteria Version 2. Collection method: clinical testing. Allele origin: germline. Affected: yes. Observed: 1 variant allele.
Comment: PRR12: BP4, BP7

NM_020719.3(PRR12):c.1665C>T (p.Gly555=)

Gene: PRR12 (proline rich 12; plus strand). Cytogenetic location: 19q13.33.
Variant type: single nucleotide variant.
Coding change: c.1665C>T on transcript NM_020719.3 (MANE Select); coding-DNA position 1665, C replaced by T.
Protein change: p.Gly555=; no amino-acid change (glycine 555 retained).
Molecular consequence: synonymous variant.
Genome position (GRCh38, 1-based): chr19:49,596,000, C>T. VCF-style: chr19-49596000-C-T. GRCh37 (hg19) VCF-style: chr19-50099257-C-T.
Identifiers: ClinVar variation 4681342 (VCV004681342.5).